The following is an entry in ClinVar:

NM_001845.6(COL4A1):c.4996A>G (p.Met1666Val)

Gene: COL4A1 (collagen type IV alpha 1 chain; minus strand). Cytogenetic location: 13q34.
Variant type: single nucleotide variant.
Coding change: c.4996A>G on transcript NM_001845.6 (MANE Select); coding-DNA position 4996, A replaced by G.
Protein change: p.Met1666Val; replaces methionine 1666 with valine.
Molecular consequence: missense variant.
Genome position (GRCh38, 1-based): chr13:110,150,377, T>C on the plus strand (A>G on the coding strand, the complement: COL4A1 is on the minus strand). VCF-style: chr13-110150377-T-C. GRCh37 (hg19) VCF-style: chr13-110802724-T-C.
Other names: short protein forms M1666V.
Identifiers: ClinVar variation 451373 (VCV000451373.6), dbSNP rs1301142454, ClinGen allele CA388653462.

ClinVar aggregate classification (germline): Uncertain significance. Review status: criteria provided, multiple submitters, no conflicts (2 of 4 stars). 3 submissions from 3 submitters: Uncertain significance (3). Last evaluated 2025-03-22.

Submissions (3):

Labcorp Genetics (formerly Invitae), Labcorp
Classification: Uncertain significance. Last evaluated: 2025-03-22. Review status: criteria provided, single submitter. Criteria: Invitae Variant Classification Sherloc (09022015). Collection method: clinical testing. Allele origin: germline.
Comment: This sequence change replaces methionine, which is neutral and non-polar, with valine, which is neutral and non-polar, at codon 1666 of the COL4A1 protein (p.Met1666Val). This variant is present in population databases (no rsID available, gnomAD 0.003%). This variant has not been reported in the literature in individuals affected with COL4A1-related conditions. ClinVar contains an entry for this variant (Variation ID: 451373). Invitae Evidence Modeling of protein sequence and biophysical properties (such as structural, functional, and spatial information, amino acid conservation, physicochemical variation, residue mobility, and thermodynamic stability) has been performed for this missense variant. However, the output from this modeling did not meet the statistical confidence thresholds required to predict the impact of this variant on COL4A1 protein function. In summary, the available evidence is currently insufficient to determine the role of this variant in disease. Therefore, it has been classified as a Variant of Uncertain Significance.

Revvity Omics, Revvity
Classification: Uncertain significance. Last evaluated: 2024-03-04. Review status: criteria provided, single submitter. Criteria: ACMG Guidelines, 2015. Collection method: clinical testing. Allele origin: germline.

GeneDx
Classification: Uncertain significance. Last evaluated: 2017-08-14. Review status: criteria provided, single submitter. Criteria: GeneDx Variant Classification (06012015). Collection method: clinical testing. Allele origin: germline. Affected: yes.
Comment: The M1666V variant in the COL4A1 gene has not been reported previously as a pathogenic variant, nor as a benign variant, to our knowledge. The M1666V variant is not observed in large population cohorts (Lek et al., 2016; 1000 Genomes Consortium et al., 2015; Exome Variant Server). The M1666V variant is a conservative amino acid substitution, which occurs at a position in the collagen IV NC1 domain that is conserved across species. In silico analysis predicts this variant is probably damaging to the protein structure/function. We interpret M1666V as a variant of uncertain significance.